The following is an entry in ClinVar:

ClinVar aggregate classification (germline): Likely benign. Review status: criteria provided, multiple submitters, no conflicts (2 of 4 stars). 2 submissions from 2 submitters: Likely benign (2). Last evaluated 2025-04-29.

Conditions:
Autosomal recessive limb-girdle muscular dystrophy type 2J (LGMDR10). Also called: MUSCULAR DYSTROPHY, LIMB-GIRDLE, AUTOSOMAL RECESSIVE 10; Limb-girdle muscular dystrophy, type 2J. Identifiers: Orphanet 140922, MedGen C1837342, MONDO:0012127, OMIM 608807.
Dilated cardiomyopathy 1G (CMD1G). Identifiers: Orphanet 154, MedGen C1858763, MONDO:0011400, OMIM 604145.

Allele frequency attached by ClinVar (database versions not stated): gnomAD exomes below 0.00001; TOPMed below 0.00001.
gnomAD v4.1: 3 of 1,613,936 alleles (0.00019%); highest among the groups gnomAD compares: Middle Eastern, 0.016%; no homozygotes.

Submissions (2):

Labcorp Genetics (formerly Invitae), Labcorp
Classification: Likely benign for Dilated cardiomyopathy 1G; Autosomal recessive limb-girdle muscular dystrophy type 2J. Last evaluated: 2025-04-29. Review status: criteria provided, single submitter. Criteria: Invitae Variant Classification Sherloc (09022015). Collection method: clinical testing. Allele origin: germline.

CeGaT Center for Human Genetics Tuebingen
Classification: Likely benign. Last evaluated: 2023-05-01. Review status: criteria provided, single submitter. Criteria: CeGaT Center For Human Genetics Tuebingen Variant Classification Criteria Version 2. Collection method: clinical testing. Allele origin: germline. Affected: yes. Observed: 1 variant allele.
Comment: TTN: PM2:Supporting, BP4, BP7

NM_001267550.2(TTN):c.92334A>T (p.Thr30778=)

Genes: TTN-AS1 (TTN antisense RNA 1; plus strand), TTN (titin; minus strand). Cytogenetic location: 2q31.2.
Variant type: single nucleotide variant.
Coding change: c.92334A>T on transcript NM_001267550.2 (MANE Select); coding-DNA position 92334, A replaced by T.
Protein change: p.Thr30778=; no amino-acid change (threonine 30778 retained).
Molecular consequence: synonymous variant.
Genome position (GRCh38, 1-based): chr2:178,549,292, T>A on the plus strand (A>T on the coding strand, the complement: TTN is on the minus strand). VCF-style: chr2-178549292-T-A. GRCh37 (hg19) VCF-style: chr2-179414019-T-A.
Other names: c.87411A>T, p.Thr29137= (NM_001256850.1); c.65139A>T, p.Thr21713= (NM_003319.4); c.84630A>T, p.Thr28210= (NM_133378.4); c.65514A>T, p.Thr21838= (NM_133432.3); c.65715A>T, p.Thr21905= (NM_133437.4).
Identifiers: ClinVar variation 1953381 (VCV001953381.29), dbSNP rs1698391996, ClinGen allele CA430244679.